The following is an entry in ClinVar:

ClinVar aggregate classification (germline): Benign (0 of 4 stars; one submission).

Conditions:
NHLRC2-related disorder. Also called: NHLRC2-related condition.

Allele frequency attached by ClinVar (database versions not stated): gnomAD exomes 0.00314; ExAC 0.01007; 1000 Genomes Project 0.03115; gnomAD 0.03223; 1000 Genomes Project 30x 0.03560; ESP Exome Variant Server 0.03623; TOPMed 0.03739.
gnomAD v4.1: 9,585 of 1,560,902 alleles (0.61%); highest among the groups gnomAD compares: African/African-American, 11%; 467 homozygotes.

Submission:

PreventionGenetics, part of Exact Sciences
Classification: Benign for NHLRC2-related condition. Last evaluated: 2019-06-17. Review status: no assertion criteria provided. Collection method: clinical testing. Allele origin: germline.
Comment: This variant is classified as benign based on ACMG/AMP sequence variant interpretation guidelines (Richards et al. 2015 PMID: 25741868, with internal and published modifications).

NM_198514.4(NHLRC2):c.1684G>A (p.Glu562Lys)

Gene: NHLRC2 (NHL repeat containing 2; plus strand). Cytogenetic location: 10q25.3.
Variant type: single nucleotide variant.
Coding change: c.1684G>A on transcript NM_198514.4 (MANE Select); coding-DNA position 1684, G replaced by A.
Protein change: p.Glu562Lys; replaces glutamic acid 562 with lysine.
Molecular consequence: missense variant.
Genome position (GRCh38, 1-based): chr10:113,903,716, G>A. VCF-style: chr10-113903716-G-A. GRCh37 (hg19) VCF-style: chr10-115663475-G-A.
Other names: short protein forms E562K.
Identifiers: ClinVar variation 3042036 (VCV003042036.2), dbSNP rs74157540, ClinGen allele CA5698066.